The following is an entry in ClinVar:

NM_198525.3(KIF7):c.1129C>G (p.Arg377Gly)

Gene: KIF7 (kinesin family member 7; minus strand). Cytogenetic location: 15q26.1.
Variant type: single nucleotide variant.
Coding change: c.1129C>G on transcript NM_198525.3 (MANE Select); coding-DNA position 1129, C replaced by G.
Protein change: p.Arg377Gly; replaces arginine 377 with glycine.
Molecular consequence: missense variant.
Genome position (GRCh38, 1-based): chr15:89,648,569, G>C on the plus strand (C>G on the coding strand, the complement: KIF7 is on the minus strand). VCF-style: chr15-89648569-G-C. GRCh37 (hg19) VCF-style: chr15-90191800-G-C.
Other names: short protein forms R377G.
Identifiers: ClinVar variation 4742568 (VCV004742568.1).

ClinVar aggregate classification (germline): Uncertain significance (1 of 4 stars; one submission).

Conditions:
Acrocallosal syndrome (ACLS). Also called: Schinzel syndrome 1; Absence of corpus callosum with unusual facial appearance, mental deficiency, duplication of the halluces and polydactyly; HALLUX DUPLICATION, POSTAXIAL POLYDACTYLY, AND ABSENCE OF CORPUS CALLOSUM. Identifiers: Orphanet 36, MedGen C0796147, MONDO:0008708, OMIM 200990.

Submission:

Labcorp Genetics (formerly Invitae), Labcorp
Classification: Uncertain significance for Acrocallosal syndrome. Last evaluated: 2026-01-24. Review status: criteria provided, single submitter. Criteria: Invitae Variant Classification Sherloc (09022015). Collection method: clinical testing. Allele origin: germline.
Comment: This sequence change replaces arginine, which is basic and polar, with glycine, which is neutral and non-polar, at codon 377 of the KIF7 protein (p.Arg377Gly). This variant is not present in population databases (gnomAD no frequency). This variant has not been reported in the literature in individuals affected with KIF7-related conditions. Invitae Evidence Modeling of protein sequence and biophysical properties (such as structural, functional, and spatial information, amino acid conservation, physicochemical variation, residue mobility, and thermodynamic stability) has been performed for this missense variant. However, the output from this modeling did not meet the statistical confidence thresholds required to predict the impact of this variant on KIF7 protein function. In summary, the available evidence is currently insufficient to determine the role of this variant in disease. Therefore, it has been classified as a Variant of Uncertain Significance.